The following is an entry in ClinVar:

NM_007294.4(BRCA1):c.1109T>C (p.Val370Ala)

Gene: BRCA1 (BRCA1 DNA repair associated; minus strand). Cytogenetic location: 17q21.31.
Variant type: single nucleotide variant.
Coding change: c.1109T>C on transcript NM_007294.4 (MANE Select); coding-DNA position 1109, T replaced by C.
Protein change: p.Val370Ala; replaces valine 370 with alanine.
Molecular consequence: missense variant. On other transcripts: intron variant (137).
Genome position (GRCh38, 1-based): chr17:43,094,422, A>G on the plus strand (T>C on the coding strand, the complement: BRCA1 is on the minus strand). VCF-style: chr17-43094422-A-G. GRCh37 (hg19) VCF-style: chr17-41246439-A-G.
Other names: c.1109T>C, p.Val370Ala (NM_007300.4, NM_001407581.1, NM_001407582.1 and 30 more transcripts); c.646+322T>C (NM_001408458.1, NM_001408469.1, NM_001408453.1 and 11 more transcripts); c.283+322T>C (NM_001408512.1); c.406+322T>C (NM_001408510.1); c.643+322T>C (NM_001408470.1, NM_001408464.1, NM_001408468.1 and 3 more transcripts); c.784+322T>C (NM_001408397.1, NM_001408401.1, NM_001408396.1 and 13 more transcripts); c.664+322T>C (NM_001408436.1, NM_001408444.1, NM_001408438.1 and 12 more transcripts); c.787+322T>C (NM_001407980.1, NM_001407993.1, NM_001407976.1 and 19 more transcripts); and 40 more; short protein forms V202A, V242A, V258A, V259A, V299A, V302A, V303A, V323A.
Identifiers: ClinVar variation 2753645 (VCV002753645.3), dbSNP rs2154475509, ClinGen allele CA10599838.
Genomic context (GRCh38, chr17:43,094,422, plus strand): 5'-TCACTTCTGGAAAACCACTCATTAACTTTCTGAATGCTGCTATTTAGTGTTATCCAAGGA[A>G]CATCTTCAGTATCTCTAGGATTCTCTGAGCATGGCAGTTTCTGCTTATTCCATTCTTTTC-3'
Protein context (NP_009225.1, residues 360-380): CSENPRDTED[Val370Ala]PWITLNSSIQ

ClinVar aggregate classification (germline): Uncertain significance (1 of 4 stars; one submission).

Conditions:
Hereditary breast ovarian cancer syndrome. Also called: Hereditary breast and ovarian cancer; Hereditary breast and ovarian cancer syndrome; Breast and ovarian cancer; BRCA1- and BRCA2-Associated Hereditary Breast and Ovarian Cancer; Hereditary breast and ovarian cancer syndrome (HBOC); Hereditary breast and/or ovarian cancer syndrome. Identifiers: Orphanet 145, MedGen C0677776, MeSH D061325, MONDO:0003582. Disease mechanism: loss of function.

Submission:

Labcorp Genetics (formerly Invitae), Labcorp
Classification: Uncertain significance for Hereditary breast ovarian cancer syndrome. Last evaluated: 2023-08-17. Review status: criteria provided, single submitter. Criteria: Invitae Variant Classification Sherloc (09022015). Collection method: clinical testing. Allele origin: germline.
Comment: In summary, the available evidence is currently insufficient to determine the role of this variant in disease. Therefore, it has been classified as a Variant of Uncertain Significance. Advanced modeling of protein sequence and biophysical properties (such as structural, functional, and spatial information, amino acid conservation, physicochemical variation, residue mobility, and thermodynamic stability) performed at Invitae indicates that this missense variant is not expected to disrupt BRCA1 protein function. This variant has not been reported in the literature in individuals affected with BRCA1-related conditions. This variant is not present in population databases (gnomAD no frequency). This sequence change replaces valine, which is neutral and non-polar, with alanine, which is neutral and non-polar, at codon 370 of the BRCA1 protein (p.Val370Ala).